The following is an entry in ClinVar:

ClinVar aggregate classification (germline): Uncertain significance (1 of 4 stars; one submission).

Conditions:
Inborn genetic diseases. Identifiers: MedGen C0950123, MeSH D030342.

Allele frequency attached by ClinVar (database versions not stated): gnomAD exomes below 0.00001.
gnomAD v4.1: 1 of 1,613,856 alleles (0.000062%); highest among the groups gnomAD compares: Non-Finnish European, 0.000085%; no homozygotes.

Submission:

Ambry Genetics
Classification: Uncertain significance for Inborn genetic diseases. Last evaluated: 2023-04-14. Review status: criteria provided, single submitter. Criteria: Ambry Variant Classification Scheme 2023. Collection method: clinical testing. Allele origin: germline.
Comment: The p.Y2292C variant (also known as c.6875A>G), located in coding exon 40 of the ATR gene, results from an A to G substitution at nucleotide position 6875. The tyrosine at codon 2292 is replaced by cysteine, an amino acid with highly dissimilar properties. This amino acid position is conserved. In addition, this alteration is predicted to be deleterious by in silico analysis. Since supporting evidence is limited at this time, the clinical significance of this alteration remains unclear.

NM_001184.4(ATR):c.6875A>G (p.Tyr2292Cys)

Gene: ATR (ATR checkpoint kinase; minus strand). Cytogenetic location: 3q23.
Variant type: single nucleotide variant.
Coding change: c.6875A>G on transcript NM_001184.4 (MANE Select); coding-DNA position 6875, A replaced by G.
Protein change: p.Tyr2292Cys; replaces tyrosine 2292 with cysteine.
Molecular consequence: missense variant.
Genome position (GRCh38, 1-based): chr3:142,466,346, T>C on the plus strand (A>G on the coding strand, the complement: ATR is on the minus strand). VCF-style: chr3-142466346-T-C. GRCh37 (hg19) VCF-style: chr3-142185188-T-C.
Other names: c.6683A>G, p.Tyr2228Cys (NM_001354579.2); short protein forms Y2228C, Y2292C.
Identifiers: ClinVar variation 2561378 (VCV002561378.2), dbSNP rs2071130222, ClinGen allele CA354801184.